The following is an entry in ClinVar:

NM_015141.4(GPD1L):c.619-245A>G

Gene: GPD1L (glycerol-3-phosphate dehydrogenase 1 like; plus strand). Cytogenetic location: 3p22.3.
Variant type: single nucleotide variant.
Coding change: c.619-245A>G on transcript NM_015141.4 (MANE Select); 245 bases into the intron before coding-DNA position 619, A replaced by G.
Molecular consequence: intron variant.
Genome position (GRCh38, 1-based): chr3:32,158,631, A>G. VCF-style: chr3-32158631-A-G. GRCh37 (hg19) VCF-style: chr3-32200123-A-G.
Other names: NC_000003.11:g.32200123A>G.
Identifiers: ClinVar variation 678496 (VCV000678496.3), dbSNP rs76244632, ClinGen allele CA11470344.

ClinVar aggregate classification (germline): Benign. Review status: criteria provided, multiple submitters, no conflicts (2 of 4 stars). 2 submissions from 2 submitters: Benign (2). Last evaluated 2018-06-14.

Allele frequency attached by ClinVar (database versions not stated): 1000 Genomes Project 0.09385; 1000 Genomes Project 30x 0.09713; gnomAD exomes 0.09821; gnomAD 0.11320 and 0.11474; TOPMed 0.11426.
gnomAD v4.1: 71,705 of 706,888 alleles (10%); highest among the groups gnomAD compares: African/African-American, 14%; 4,078 homozygotes.

Submissions (11):

GeneDx
Classification: Benign. Last evaluated: 2018-06-14. Review status: criteria provided, single submitter. Criteria: GeneDx Variant Classification (06012015). Collection method: clinical testing. Allele origin: germline. Affected: yes.
Comment: This variant is considered likely benign or benign based on one or more of the following criteria: it is a conservative change, it occurs at a poorly conserved position in the protein, it is predicted to be benign by multiple in silico algorithms, and/or has population frequency not consistent with disease.

Breakthrough Genomics
Classification: Benign. Review status: criteria provided, single submitter. Criteria: ACMG Guidelines, 2015. Collection method: not provided. Allele origin: germline. Inheritance: Unknown mechanism. Affected: yes.

Dr. Peter K. Rogan Lab, Western University
No classification provided (evidence only). Condition: Acute myeloid leukemia. Review status: no classification provided. Collection method: in vitro. Allele origin: not applicable. Functional consequence: skipped exon. Not counted in ClinVar's aggregate classification.

Dr. Peter K. Rogan Lab, Western University
No classification provided (evidence only). Condition: Cervical cancer. Review status: no classification provided. Collection method: in vitro. Allele origin: not applicable. Functional consequence: retained intron. Not counted in ClinVar's aggregate classification.

Dr. Peter K. Rogan Lab, Western University
No classification provided (evidence only). Condition: Sarcoma. Review status: no classification provided. Collection method: in vitro. Allele origin: not applicable. Functional consequence: retained intron. Not counted in ClinVar's aggregate classification.

Dr. Peter K. Rogan Lab, Western University
No classification provided (evidence only). Condition: Sarcoma. Review status: no classification provided. Collection method: in vitro. Allele origin: not applicable. Functional consequence: skipped exon. Not counted in ClinVar's aggregate classification.

Dr. Peter K. Rogan Lab, Western University
No classification provided (evidence only). Condition: Sarcoma. Review status: no classification provided. Collection method: in vitro. Allele origin: not applicable. Functional consequence: retained intron. Not counted in ClinVar's aggregate classification.

Dr. Peter K. Rogan Lab, Western University
No classification provided (evidence only). Condition: Thymoma. Review status: no classification provided. Collection method: in vitro. Allele origin: not applicable. Functional consequence: retained intron. Not counted in ClinVar's aggregate classification.

Dr. Peter K. Rogan Lab, Western University
No classification provided (evidence only). Condition: Ovarian serous cystadenocarcinoma. Review status: no classification provided. Collection method: in vitro. Allele origin: not applicable. Functional consequence: retained intron. Not counted in ClinVar's aggregate classification.

Dr. Peter K. Rogan Lab, Western University
No classification provided (evidence only). Condition: Ovarian serous cystadenocarcinoma. Review status: no classification provided. Collection method: in vitro. Allele origin: not applicable. Functional consequence: retained intron. Not counted in ClinVar's aggregate classification.

Dr. Peter K. Rogan Lab, Western University
No classification provided (evidence only). Condition: Malignant tumor of esophagus. Review status: no classification provided. Collection method: in vitro. Allele origin: not applicable. Functional consequence: skipped exon, retained intron. Not counted in ClinVar's aggregate classification.